The following is an entry in ClinVar:

NC_000023.10:g.(31893491_31947712)_(32305819_32328198)del

Gene: DMD (dystrophin; minus strand). Cytogenetic location: Xp21.1.
Variant type: Deletion.
Identifiers: ClinVar variation 3769310 (VCV003769310.2).

ClinVar aggregate classification (germline): Pathogenic (1 of 4 stars; one submission).

Conditions:
Neuromuscular disease caused by qualitative or quantitative defects of dystrophin. Also called: Qualitative or quantitative defects of dystrophin. Identifiers: Orphanet 207085, MedGen C5679787, MONDO:0016147.

Submission:

Women's Health and Genetics/Laboratory Corporation of America, LabCorp
Classification: Pathogenic for Neuromuscular disease caused by qualitative or quantitative defects of dystrophin. Last evaluated: 2025-01-02. Review status: criteria provided, single submitter. Criteria: LabCorp Variant Classification Summary - May 2015. Collection method: clinical testing. Allele origin: germline.
Comment: Variant summary: The variant involves the deletion of exons 43-47 in the DMD gene. A presumed nomenclature of c.(6117+1_6118-1)_(6912+1_6913-1)del has been designated for the purposes of this classification. This Copy Number Variant (CNV) is predicted to result in an in-frame deletion within the rod domain of the DMD gene. The variant was absent in 95258 control chromosomes in the gnomAD database (Structural Variants v4.1 dataset). c.(6117+1_6118-1)_(6912+1_6913-1)del has been reported in the literature in an asymptomatic hemizygous individual (Reiner_2023), however, in-frame deletions/duplications in the rod domain, which consists of 24 spectrin-like repeats, may result in a milder phenotype with reduced penetrance (i.e. varying between Becker- and being clinically asymptomatic). Smaller in-frame deletions within the deleted region are reported in affected individuals (HGMD), and are classified as pathogenic in ClinVar. To our knowledge, no experimental evidence demonstrating an impact on protein function has been reported. The following publication has been ascertained in the context of this evaluation (PMID: 36459106). No submitters have cited clinical-significance assessments for this variant to ClinVar. Based on the evidence outlined above, the variant was classified as pathogenic.

Literature cited by the submitters: PubMed 36459106.